The following is an entry in ClinVar:

ClinVar aggregate classification (germline): Uncertain significance (1 of 4 stars; one submission).

Conditions:
Autoimmune interstitial lung disease-arthritis syndrome. Also called: Autoinflammation and autoimmunity, systemic, with immune dysregulation. Identifiers: Orphanet 444092, MedGen C5975714, MONDO:0014629.

Submission:

Labcorp Genetics (formerly Invitae), Labcorp
Classification: Uncertain significance for Autoimmune interstitial lung disease-arthritis syndrome. Last evaluated: 2024-04-03. Review status: criteria provided, single submitter. Criteria: Invitae Variant Classification Sherloc (09022015). Collection method: clinical testing. Allele origin: germline.
Comment: This sequence change affects codon 378 of the COPA mRNA. It is a 'silent' change, meaning that it does not change the encoded amino acid sequence of the COPA protein. This variant is not present in population databases (gnomAD no frequency). This variant has not been reported in the literature in individuals affected with COPA-related conditions. Algorithms developed to predict the effect of sequence changes on RNA splicing suggest that this variant may disrupt the consensus splice site. In summary, the available evidence is currently insufficient to determine the role of this variant in disease. Therefore, it has been classified as a Variant of Uncertain Significance.

NM_004371.4(COPA):c.1132C>T (p.Leu378=)

Gene: COPA (coat protein complex I subunit alpha; minus strand). Cytogenetic location: 1q23.2.
Variant type: single nucleotide variant.
Coding change: c.1132C>T on transcript NM_004371.4 (MANE Select); coding-DNA position 1132, C replaced by T.
Protein change: p.Leu378=; no amino-acid change (leucine 378 retained).
Molecular consequence: synonymous variant.
Genome position (GRCh38, 1-based): chr1:160,310,203, G>A on the plus strand (C>T on the coding strand, the complement: COPA is on the minus strand). VCF-style: chr1-160310203-G-A. GRCh37 (hg19) VCF-style: chr1-160279993-G-A.
Other names: c.1132C>T, p.Leu378= (NM_001098398.2).
Identifiers: ClinVar variation 2794523 (VCV002794523.3), dbSNP rs2525399552, ClinGen allele CA421353119.